The following is an entry in ClinVar:

ClinVar aggregate classification (germline): Uncertain significance (1 of 4 stars; one submission).

Allele frequency attached by ClinVar (database versions not stated): gnomAD exomes below 0.00001.

Submission:

Labcorp Genetics (formerly Invitae), Labcorp
Classification: Uncertain significance. Last evaluated: 2022-11-09. Review status: criteria provided, single submitter. Criteria: Invitae Variant Classification Sherloc (09022015). Collection method: clinical testing. Allele origin: germline.
Comment: This sequence change falls in intron 47 of the POLE gene. It does not directly change the encoded amino acid sequence of the POLE protein. This variant is not present in population databases (gnomAD no frequency). This variant has not been reported in the literature in individuals affected with POLE-related conditions. Algorithms developed to predict the effect of sequence changes on RNA splicing suggest that this variant may disrupt the consensus splice site. In summary, the available evidence is currently insufficient to determine the role of this variant in disease. Therefore, it has been classified as a Variant of Uncertain Significance.

NM_006231.4(POLE):c.6658-11C>T

Gene: POLE (DNA polymerase epsilon, catalytic subunit; minus strand). Cytogenetic location: 12q24.33.
Variant type: single nucleotide variant.
Coding change: c.6658-11C>T on transcript NM_006231.4 (MANE Select); 11 bases into the intron before coding-DNA position 6658, C replaced by T.
Molecular consequence: intron variant.
Genome position (GRCh38, 1-based): chr12:132,625,005, G>A on the plus strand (C>T on the coding strand, the complement: POLE is on the minus strand). VCF-style: chr12-132625005-G-A. GRCh37 (hg19) VCF-style: chr12-133201591-G-A.
Identifiers: ClinVar variation 2807942 (VCV002807942.3), dbSNP rs2138423286, ClinGen allele CA2622044161.